The following is an entry in ClinVar:

NM_000368.5(TSC1):c.2233A>G (p.Lys745Glu)

Gene: TSC1 (TSC complex subunit 1; minus strand). Cytogenetic location: 9q34.13.
Variant type: single nucleotide variant.
Coding change: c.2233A>G on transcript NM_000368.5 (MANE Select); coding-DNA position 2233, A replaced by G.
Protein change: p.Lys745Glu; replaces lysine 745 with glutamic acid.
Molecular consequence: missense variant. On other transcripts: non-coding transcript variant (5).
Genome position (GRCh38, 1-based): chr9:132,902,763, T>C on the plus strand (A>G on the coding strand, the complement: TSC1 is on the minus strand). VCF-style: chr9-132902763-T-C. GRCh37 (hg19) VCF-style: chr9-135778150-T-C.
Other names: c.2077A>G, p.Lys693Glu (NM_001406612.1, NM_001406613.1, NM_001406611.1); c.1870A>G, p.Lys624Glu (NM_001406614.1, NM_001406615.1, NM_001406616.1 and 5 more transcripts); c.1867A>G, p.Lys623Glu (NM_001406620.1, NM_001406621.1, NM_001406622.1 and 2 more transcripts); c.1282A>G, p.Lys428Glu (NM_001406626.1); c.1279A>G, p.Lys427Glu (NM_001406627.1, NM_001406628.1); c.1180A>G, p.Lys394Glu (NM_001406629.1, NM_001406630.1); c.2230A>G, p.Lys744Glu (NM_001162426.2, NM_001406597.1, NM_001406598.1 and 4 more transcripts); c.2080A>G, p.Lys694Glu (NM_001162427.2, NM_001406610.1); and 3 more; short protein forms K394E, K427E, K428E, K623E, K624E, K693E, K694E, K739E.
Identifiers: ClinVar variation 3074862 (VCV003074862.1), dbSNP rs2131740608, ClinGen allele CA375360012.
Genomic context (GRCh38, chr9:132,902,763, plus strand): 5'-GGAGCTGATTGTATCTAGCTTGTTCTTTCTGCAGACTAACCTTCCACATCTGGATGTCCT[T>C]CTCTTGTAACTTCAACTGATCTTTCTAGCAGAGACCAGAAATGTCATCATTTTAGCTGTC-3'
Protein context (NP_000359.1, residues 735-755): AMKDQLKLQE[Lys745Glu]DIQMWKVSLQ

ClinVar aggregate classification (germline): Uncertain significance (1 of 4 stars; one submission).

Conditions:
Tuberous sclerosis syndrome (TSC). Also called: Tuberous Sclerosis Complex; Tuberous sclerosis. Identifiers: Orphanet 805, MedGen C0041341, MONDO:0001734.

Submission:

All of Us Research Program, National Institutes of Health
Classification: Uncertain significance for Tuberous sclerosis syndrome. Last evaluated: 2023-12-13. Review status: criteria provided, single submitter. Criteria: ACMG Guidelines, 2015. Collection method: clinical testing. Allele origin: germline. Inheritance: Autosomal dominant inheritance. Observed: 1 variant allele, 1 heterozygote.
Comment: This missense variant replaces lysine with glutamic acid at codon 745 of the TSC1 protein. Computational prediction suggests that this variant may not impact protein structure and function (internally defined REVEL score threshold <= 0.5, PMID: 27666373). To our knowledge, functional studies have not been reported for this variant. This variant has not been reported in individuals affected with TSC1-related disorders in the literature. This variant has not been identified in the general population by the Genome Aggregation Database (gnomAD). The available evidence is insufficient to determine the role of this variant in disease conclusively. Therefore, this variant is classified as a Variant of Uncertain Significance.

This study involves interpretation of variants in research participants for the purpose of population health screening. Participant phenotype was not available at the time of variant classification. Additional details can be found in publication PMID: 35346344, PMCID: PMC8962531